The following is an entry in ClinVar:

NM_201384.3(PLEC):c.5727G>T (p.Gln1909His)

Gene: PLEC (plectin; minus strand). Cytogenetic location: 8q24.3.
Variant type: single nucleotide variant.
Coding change: c.5727G>T on transcript NM_201384.3 (MANE Select); coding-DNA position 5727, G replaced by T.
Protein change: p.Gln1909His; replaces glutamine 1909 with histidine.
Molecular consequence: missense variant.
Genome position (GRCh38, 1-based): chr8:143,924,202, C>A on the plus strand (G>T on the coding strand, the complement: PLEC is on the minus strand). VCF-style: chr8-143924202-C-A. GRCh37 (hg19) VCF-style: chr8-144998370-C-A.
Other names: c.5808G>T, p.Gln1936His (NM_000445.5); c.5685G>T, p.Gln1895His (NM_201378.4); c.5661G>T, p.Gln1887His (NM_201379.3); c.6138G>T, p.Gln2046His (NM_201380.4); c.5631G>T, p.Gln1877His (NM_201381.3); c.5727G>T, p.Gln1909His (NM_201382.4); c.5739G>T, p.Gln1913His (NM_201383.3); short protein forms Q1877H, Q1909H, Q1913H, Q2046H, Q1895H, Q1936H, Q1887H.
Identifiers: ClinVar variation 658853 (VCV000658853.6), dbSNP rs1586904636, ClinGen allele CA372542105.

ClinVar aggregate classification (germline): Uncertain significance (1 of 4 stars; one submission).

Conditions:
Epidermolysis bullosa simplex 5C, with pyloric atresia (EBS5C). Also called: Epidermolysis bullosa simplex with pyloric atresia; PLEC-Related Epidermolysis Bullosa with Pyloric Atresia; PLEC1-Related Epidermolysis Bullosa with Pyloric Atresia. Identifiers: Orphanet 158684, MedGen C2677349, MONDO:0012807, OMIM 612138.
Epidermolysis bullosa simplex 5B, with muscular dystrophy (EBS5B). Also called: Epidermolysis bullosa simplex with muscular dystrophy; EPIDERMOLYSIS BULLOSA SIMPLEX AND LIMB-GIRDLE MUSCULAR DYSTROPHY. Identifiers: Orphanet 257, MedGen C2931072, MONDO:0009181, OMIM 226670.
Epidermolysis bullosa simplex, Ogna type (EBS5A). Also called: Pidermolysis bullosa simplex 5A, Ogna type; EPIDERMOLYSIS BULLOSA SIMPLEX 5A, OGNA TYPE. Identifiers: Orphanet 79401, MedGen C0432317, MONDO:0007555, OMIM 131950.
Epidermolysis bullosa simplex with nail dystrophy (EBS5D). Identifiers: MedGen C4225309, MONDO:0014661, OMIM 616487.
Autosomal recessive limb-girdle muscular dystrophy type 2Q (LGMDR17). Also called: MUSCULAR DYSTROPHY, LIMB-GIRDLE, AUTOSOMAL RECESSIVE 17. Identifiers: Orphanet 254361, MedGen C3150989, MONDO:0013390, OMIM 613723.

Submission:

Labcorp Genetics (formerly Invitae), Labcorp
Classification: Uncertain significance for Autosomal recessive limb-girdle muscular dystrophy type 2Q; Epidermolysis bullosa simplex, Ogna type; Epidermolysis bullosa simplex with nail dystrophy; Epidermolysis bullosa simplex 5C, with pyloric atresia; Epidermolysis bullosa simplex 5B, with muscular dystrophy. Last evaluated: 2022-08-10. Review status: criteria provided, single submitter. Criteria: Invitae Variant Classification Sherloc (09022015). Collection method: clinical testing. Allele origin: germline.
Comment: This variant has not been reported in the literature in individuals affected with PLEC-related conditions. This variant is not present in population databases (gnomAD no frequency). This sequence change replaces glutamine, which is neutral and polar, with histidine, which is basic and polar, at codon 1936 of the PLEC protein (p.Gln1936His). In summary, the available evidence is currently insufficient to determine the role of this variant in disease. Therefore, it has been classified as a Variant of Uncertain Significance. Algorithms developed to predict the effect of missense changes on protein structure and function are either unavailable or do not agree on the potential impact of this missense change (SIFT: "Deleterious"; PolyPhen-2: "Not Available"; Align-GVGD: "Class C0"). ClinVar contains an entry for this variant (Variation ID: 658853).